The following is an entry in ClinVar:

NM_002495.4(NDUFS4):c.351-2A>G

Gene: NDUFS4 (NADH:ubiquinone oxidoreductase subunit S4; plus strand). Cytogenetic location: 5q11.2.
Variant type: single nucleotide variant.
Coding change: c.351-2A>G on transcript NM_002495.4 (MANE Select); the canonical splice acceptor site of the intron before coding-DNA position 351, A replaced by G.
Molecular consequence: splice acceptor variant. On other transcripts: intron variant (1).
Genome position (GRCh38, 1-based): chr5:53,658,549, A>G. VCF-style: chr5-53658549-A-G. GRCh37 (hg19) VCF-style: chr5-52954379-A-G.
Other names: c.350+12144A>G (NM_001318051.2).
Identifiers: ClinVar variation 2671778 (VCV002671778.1), dbSNP rs1393523308, ClinGen allele CA359719107.

ClinVar aggregate classification (germline): Likely pathogenic (1 of 4 stars; one submission).

Conditions:
Mitochondrial complex I deficiency, nuclear type 1. Also called: NADH-COENZYME Q REDUCTASE DEFICIENCY; MITOCHONDRIAL NADH DEHYDROGENASE COMPONENT OF COMPLEX I, DEFICIENCY OF. Identifiers: MedGen C6022305, MONDO:0100224, OMIM 252010.

Allele frequency attached by ClinVar (database versions not stated): TOPMed below 0.00001; gnomAD 0.00001.
gnomAD v4.1: 2 of 1,612,630 alleles (0.00012%); highest among the groups gnomAD compares: Non-Finnish European, 0.00017%; no homozygotes.

Submission:

Neuberg Centre For Genomic Medicine, NCGM
Classification: Likely pathogenic for Mitochondrial complex I deficiency, nuclear type 1. Last evaluated: 2023-02-14. Review status: criteria provided, single submitter. Criteria: ACMG Guidelines, 2015. Collection method: clinical testing. Allele origin: germline. Inheritance: Autosomal recessive inheritance. Affected: yes.
Comment: The splice acceptor c.351-2A>G variant in the NDUFS4 gene has been reported previously in compound heterozygous state in the individual affected with mitochondrial respiratory chain disease (Calvo et al., 2010). However, study on multiple affected individuals and the functional impact of the variant is not available. The variant is novel (not in any individuals) in gnomAD Exomes and 1000 Genomes. The variant affects the AG acceptor splice site upstream to exon 4. This variant is predicted to cause a loss of normal protein function through protein truncation. Loss of function variants has been previously reported to be disease causing. For these reasons, this variant has been classified as Likely Pathogenic.